The following is an entry in ClinVar:

NM_002382.5(MAX):c.382G>A (p.Gly128Ser)

Gene: MAX (MYC associated transcriptional regulator X; minus strand). Cytogenetic location: 14q23.3.
Variant type: single nucleotide variant.
Coding change: c.382G>A on transcript NM_002382.5 (MANE Select); coding-DNA position 382, G replaced by A.
Protein change: p.Gly128Ser; replaces glycine 128 with serine.
Molecular consequence: missense variant. On other transcripts: intron variant (2), 3 prime UTR variant (1).
Genome position (GRCh38, 1-based): chr14:65,076,577, C>T on the plus strand (G>A on the coding strand, the complement: MAX is on the minus strand). VCF-style: chr14-65076577-C-T. GRCh37 (hg19) VCF-style: chr14-65543295-C-T.
Other names: c.193G>A, p.Gly65Ser (NM_001320415.2, NM_001407105.1, NM_001407106.1 and 1 more transcripts); c.382G>A, p.Gly128Ser (NM_001407094.1); c.355G>A, p.Gly119Ser (NM_001407095.1, NM_145112.3); c.*155G>A (NM_001407096.1, NM_001407099.1, NM_001407102.1 and 2 more transcripts); c.*171G>A (NM_001407097.1, NM_001407100.1, NM_001407101.1 and 4 more transcripts); c.274G>A, p.Gly92Ser (NM_001407098.1); c.144+17131G>A (NM_001271069.2); c.171+17131G>A (NM_197957.4); and 1 more; short protein forms G128S, G65S, G119S, G61S, G92S.
Identifiers: ClinVar variation 1362396 (VCV001362396.12), dbSNP rs2139740580, ClinGen allele CA390031689.

ClinVar aggregate classification (germline): Uncertain significance. Review status: criteria provided, multiple submitters, no conflicts (2 of 4 stars). 3 submissions from 3 submitters: Uncertain significance (3). Last evaluated 2022-07-15.

Conditions:
Hereditary pheochromocytoma and paraganglioma. Also called: Hereditary paragangliomas and pheochromocytomas; Hereditary Paraganglioma-Pheochromocytoma Syndromes; Hereditary pheochromocytoma-paraganglioma. Identifiers: Orphanet 29072, MedGen C4274332, MONDO:0017366.
Hereditary cancer-predisposing syndrome. Also called: Tumor predisposition; Hereditary Cancer Syndrome; Hereditary neoplastic syndrome; Neoplastic Syndromes, Hereditary. Identifiers: Orphanet 140162, MedGen C0027672, MeSH D009386, MONDO:0015356.

Submissions (3):

Ambry Genetics
Classification: Uncertain significance for Hereditary cancer-predisposing syndrome. Last evaluated: 2022-07-15. Review status: criteria provided, single submitter. Criteria: Ambry Variant Classification Scheme 2023. Collection method: clinical testing. Allele origin: germline.
Comment: The p.G128S variant (also known as c.382G>A), located in coding exon 5 of the MAX gene, results from a G to A substitution at nucleotide position 382. The glycine at codon 128 is replaced by serine, an amino acid with similar properties. This amino acid position is highly conserved in available vertebrate species. In addition, this alteration is predicted to be deleterious by in silico analysis. Since supporting evidence is limited at this time, the clinical significance of this alteration remains unclear.

GeneDx
Classification: Uncertain significance. Last evaluated: 2022-04-15. Review status: criteria provided, single submitter. Criteria: GeneDx Variant Classification Process June 2021. Collection method: clinical testing. Allele origin: germline. Affected: yes.
Comment: Not observed at significant frequency in large population cohorts (gnomAD); In silico analysis supports that this missense variant has a deleterious effect on protein structure/function; Has not been previously published as pathogenic or benign to our knowledge

Labcorp Genetics (formerly Invitae), Labcorp
Classification: Uncertain significance for Hereditary pheochromocytoma and paraganglioma. Last evaluated: 2021-04-23. Review status: criteria provided, single submitter. Criteria: Invitae Variant Classification Sherloc (09022015). Collection method: clinical testing. Allele origin: germline.
Comment: In summary, the available evidence is currently insufficient to determine the role of this variant in disease. Therefore, it has been classified as a Variant of Uncertain Significance. Algorithms developed to predict the effect of missense changes on protein structure and function are either unavailable or do not agree on the potential impact of this missense change (SIFT: "Tolerated"; PolyPhen-2: "Possibly Damaging"; Align-GVGD: "Class C0"). This variant has not been reported in the literature in individuals with MAX-related conditions. This variant is not present in population databases (ExAC no frequency). This sequence change replaces glycine with serine at codon 128 of the MAX protein (p.Gly128Ser). The glycine residue is moderately conserved and there is a small physicochemical difference between glycine and serine.